The following is an entry in ClinVar:

NM_000124.4(ERCC6):c.2504G>A (p.Trp835Ter)

Gene: ERCC6 (ERCC excision repair 6, chromatin remodeling factor; minus strand). Cytogenetic location: 10q11.23.
Variant type: single nucleotide variant.
Coding change: c.2504G>A on transcript NM_000124.4 (MANE Select); coding-DNA position 2504, G replaced by A.
Protein change: p.Trp835Ter; replaces tryptophan 835 with a stop codon.
Molecular consequence: nonsense.
Genome position (GRCh38, 1-based): chr10:49,474,121, C>T on the plus strand (G>A on the coding strand, the complement: ERCC6 is on the minus strand). VCF-style: chr10-49474121-C-T. GRCh37 (hg19) VCF-style: chr10-50682167-C-T.
Other names: c.2504G>A, p.Trp835Ter (NM_001346440.2); short protein forms W835*.
Identifiers: ClinVar variation 983770 (VCV000983770.3), dbSNP rs1850832795, ClinGen allele CA376721499.

ClinVar aggregate classification (germline): Likely pathogenic (1 of 4 stars; one submission).

Conditions:
Cockayne syndrome type 2 (CSB). Also called: Cockayne Syndrome, Type II; COCKAYNE SYNDROME B. Identifiers: Orphanet 191, Orphanet 90322, MedGen C0751038, MONDO:0019570, OMIM 133540.

Submission:

Myriad Genetics, Inc.
Classification: Likely pathogenic for Cockayne syndrome type 2. Last evaluated: 2019-03-31. Review status: criteria provided, single submitter. Criteria: Myriad Women's Health Autosomal Recessive and X-Linked Classification Criteria (2019). Collection method: clinical testing. Allele origin: unknown.
Comment: NM_000124.2(ERCC6):c.2504G>A(W835*) is expected to be pathogenic in the context of ERCC6-related disorders. This variant is predicted to lead to an abnormal or absent protein product due to the creation of a premature termination codon in ERCC6, a gene where loss-of-function variants are known to be pathogenic. Please note: this variant was assessed in the context of healthy population screening.